The following is an entry in ClinVar:

ClinVar aggregate classification (germline): Likely benign (0 of 4 stars; one submission).

Conditions:
CEP78-related disorder. Also called: CEP78-related condition.

gnomAD v4.1: 2 of 1,606,880 alleles (0.00012%); highest among the groups gnomAD compares: Non-Finnish European, 0.00017%; no homozygotes.

Submission:

PreventionGenetics, part of Exact Sciences
Classification: Likely benign for CEP78-related condition. Last evaluated: 2020-04-14. Review status: no assertion criteria provided. Collection method: clinical testing. Allele origin: germline.
Comment: This variant is classified as likely benign based on ACMG/AMP sequence variant interpretation guidelines (Richards et al. 2015 PMID: 25741868, with internal and published modifications).

NM_001330691.3(CEP78):c.120G>A (p.Glu40=)

Gene: CEP78 (centrosomal protein 78; plus strand). Cytogenetic location: 9q21.2.
Variant type: single nucleotide variant.
Coding change: c.120G>A on transcript NM_001330691.3 (MANE Select); coding-DNA position 120, G replaced by A.
Protein change: p.Glu40=; no amino-acid change (glutamic acid 40 retained).
Molecular consequence: synonymous variant.
Genome position (GRCh38, 1-based): chr9:78,236,470, G>A. VCF-style: chr9-78236470-G-A. GRCh37 (hg19) VCF-style: chr9-80851386-G-A.
Other names: c.120G>A, p.Glu40= (NM_001098802.3, NM_001330693.3, NM_001330694.2 and 4 more transcripts).
Identifiers: ClinVar variation 3054686 (VCV003054686.2), dbSNP rs746861398, ClinGen allele CA465623924.
Genomic context (GRCh38, chr9:78,236,470, plus strand): 5'-GTACCTGTGCGCGCTGCAGAACTCGGTGCCGCTGCCCGCCGTGCGCGCCTGTCTCCGGGA[G>A]GGCGTGCTGGATTTCAACGCCGACCGCCTCCGCGGGGTGGACTGGGCGCCTCTGCTGAGC-3'
Protein context (NP_001317620.1, residues 30-50): PLPAVRACLR[Glu40=]GVLDFNADRL